The following is an entry in ClinVar:

NM_000092.5(COL4A4):c.2722C>T (p.Arg908Trp)

Gene: COL4A4 (collagen type IV alpha 4 chain; minus strand). Cytogenetic location: 2q36.3.
Variant type: single nucleotide variant.
Coding change: c.2722C>T on transcript NM_000092.5 (MANE Select); coding-DNA position 2722, C replaced by T.
Protein change: p.Arg908Trp; replaces arginine 908 with tryptophan.
Molecular consequence: missense variant.
Genome position (GRCh38, 1-based): chr2:227,054,732, G>A on the plus strand (C>T on the coding strand, the complement: COL4A4 is on the minus strand). VCF-style: chr2-227054732-G-A. GRCh37 (hg19) VCF-style: chr2-227919448-G-A.
Other names: short protein forms R908W.
Identifiers: ClinVar variation 2159824 (VCV002159824.8), dbSNP rs767194693, ClinGen allele CA2144728.

ClinVar aggregate classification (germline): Conflicting classifications of pathogenicity. Review status: criteria provided, conflicting classifications (1 of 4 stars). 4 submissions from 4 submitters: Uncertain significance (2); Likely benign (1). 1 of the submissions does not count toward it. Last evaluated 2025-09-22.

Conditions:
Autosomal recessive Alport syndrome (ATS2). Also called: ALPORT SYNDROME 2, AUTOSOMAL RECESSIVE; Alport syndrome type 2; COL4A3-Related Nephropathy; COL4A4 Alport Syndrome and Thin Basement Membrane Nephropathy. Identifiers: Orphanet 63, Orphanet 88919, MedGen C4746745, MONDO:0008762, OMIM 203780.
Hematuria, benign familial, 1 (BFH1). Also called: THIN MEMBRANE NEPHROPATHY. Identifiers: MedGen CN376803, MONDO:0007709, OMIM 141200.
COL4A4-related disorder.

Allele frequency attached by ClinVar (database versions not stated): gnomAD exomes 0.00002; ExAC 0.00003; gnomAD 0.00003; TOPMed 0.00006.
gnomAD v4.1: 40 of 1,613,778 alleles (0.0025%); highest among the groups gnomAD compares: Admixed American, 0.025%; no homozygotes.

Submissions (4):

Labcorp Genetics (formerly Invitae), Labcorp
Classification: Likely benign. Last evaluated: 2025-09-22. Review status: criteria provided, single submitter. Criteria: Invitae Variant Classification Sherloc (09022015). Collection method: clinical testing. Allele origin: germline.

Blueprint Genetics
Classification: Uncertain significance. Last evaluated: 2024-11-05. Review status: criteria provided, single submitter. Criteria: ACMG Guidelines, 2015. Collection method: clinical testing. Allele origin: germline.

Fulgent Genetics
Classification: Uncertain significance for Hematuria, benign familial, 1; Autosomal recessive Alport syndrome. Last evaluated: 2024-04-23. Review status: criteria provided, single submitter. Criteria: ACMG Guidelines, 2015. Collection method: clinical testing. Allele origin: germline.

PreventionGenetics, part of Exact Sciences
Classification: Uncertain significance for COL4A4-related condition. Last evaluated: 2024-05-30. Review status: no assertion criteria provided. Collection method: clinical testing. Allele origin: germline. Not counted in ClinVar's aggregate classification.
Comment: The COL4A4 c.2722C>T variant is predicted to result in the amino acid substitution p.Arg908Trp. This variant has been reported as a variant of uncertain significance in a daughter with hematuria, but was not detected in the similarly affected father (Slajpah et al. 2007. PubMed ID: 17396119). This variant is reported in 0.038% of alleles in individuals of Latino descent in gnomAD. Although we suspect that this variant may be benign, at this time, the clinical significance of this variant is uncertain due to the absence of conclusive functional and genetic evidence.